The following is an entry in ClinVar:

NM_005912.3(MC4R):c.504CAT[1] (p.Ile170del)

Gene: MC4R (melanocortin 4 receptor; minus strand). Cytogenetic location: 18q21.32.
Variant type: Microsatellite.
Coding change: c.504CAT[1] on transcript NM_005912.3 (MANE Select); one copy of the 3-base unit CAT starting at c.504; the reference has two copies in a row; one copy, 3 bases deleted.
Protein change: p.Ile170del; deletes isoleucine 170.
Genome position (GRCh38, 1-based): chr18:60,371,841-60,371,843, ATG deleted on the plus strand (CAT on the coding strand, the reverse complement: MC4R is on the minus strand); deleting any 3 consecutive bases within chr18:60,371,841-60,371,848 gives the same sequence; the position shown is the placement nearest the transcript's 3' end. VCF-style (leftmost placement, unchanged base first): chr18-60371840-TATG-T. GRCh37 (hg19) VCF-style: chr18-58039073-TATG-T.
Other names: c.507_509delCAT (NM_005912.2); short protein forms I170del.
Identifiers: ClinVar variation 3723169 (VCV003723169.3).

ClinVar aggregate classification (germline): Conflicting classifications of pathogenicity. Review status: criteria provided, conflicting classifications (1 of 4 stars). 2 submissions from 2 submitters: Likely pathogenic (1); Uncertain significance (1). Last evaluated 2025-08-14.

Conditions:
MC4R-related disorder. Also called: MC4R-related condition.

Submissions (2):

PreventionGenetics, part of Exact Sciences
Classification: Likely pathogenic for MC4R-related condition. Last evaluated: 2025-08-14. Review status: criteria provided, single submitter. Criteria: ACMG Guidelines, 2015. Collection method: clinical testing. Allele origin: germline.
Comment: The MC4R c.507_509delCAT variant is predicted to result in an in-frame deletion (p.Ile170del). This variant has been reported in an individual with obesity (referred to as 506-ΔCAT in Lubrano-Berthelier et al. 2003. PubMed ID: 14633862). Functional studies indicate this variant resulted in reduced protein expression, altered ligand binding, and impaired ERK1/2 activation (Wang et al. 2011. PubMed ID: 21729752; He et al. 2014. PubMed ID: 25332687). This variant has not been reported in a large population database, indicating this variant is rare. This variant is interpreted as likely pathogenic.

Labcorp Genetics (formerly Invitae), Labcorp
Classification: Uncertain significance. Last evaluated: 2024-02-17. Review status: criteria provided, single submitter. Criteria: Invitae Variant Classification Sherloc (09022015). Collection method: clinical testing. Allele origin: germline.
Comment: This variant, c.507_509del, results in the deletion of 1 amino acid(s) of the MC4R protein (p.Ile170del), but otherwise preserves the integrity of the reading frame. This variant is not present in population databases (gnomAD no frequency). This variant has been observed in individual(s) with obesity (PMID: 14633862). This variant is also known as 506-delCAT, Del170. Algorithms developed to predict the effect of variants on protein structure and function are not available or were not evaluated for this variant. Experimental studies have shown that this variant affects MC4R function (PMID: 21729752, 25332687). In summary, the available evidence is currently insufficient to determine the role of this variant in disease. Therefore, it has been classified as a Variant of Uncertain Significance.

Literature cited by the submitters: PubMed 14633862 (cited by Labcorp Genetics (formerly Invitae), Labcorp); PubMed 21729752 (cited by Labcorp Genetics (formerly Invitae), Labcorp); PubMed 25332687 (cited by Labcorp Genetics (formerly Invitae), Labcorp).